The following is an entry in ClinVar:

ClinVar aggregate classification (germline): Uncertain significance (1 of 4 stars; one submission).

Submission:

Labcorp Genetics (formerly Invitae), Labcorp
Classification: Uncertain significance. Last evaluated: 2023-12-22. Review status: criteria provided, single submitter. Criteria: Invitae Variant Classification Sherloc (09022015). Collection method: clinical testing. Allele origin: unknown.
Comment: A copy number gain of the genomic region encompassing the full coding sequence of the BTRC gene has been identified. The boundaries of this event are unknown as they extend beyond the assayed region for this gene and therefore may encompass additional genes. As the precise location of this event is unknown, it may be in tandem or it may be located elsewhere in the genome. Isolated whole-gene copy number gains of BTRC have not been reported in the literature. However, larger copy number events that include this gene have been reported (PMID: 27600068, 29263051, 30622331, 32219839, 34645491). In summary, the available evidence is currently insufficient to determine the role of this variant in disease. Therefore, it has been classified as a Variant of Uncertain Significance.

Literature cited by the submitters: PubMed 27600068; PubMed 29263051; PubMed 30622331; PubMed 32219839; PubMed 34645491.

NC_000010.10:g.(?_102987027)_(103454397_?)dup

Genes: BTRC (beta-transducin repeat containing E3 ubiquitin protein ligase; plus strand), DPCD (deleted in primary ciliary dyskinesia homolog (mouse); plus strand), FBXW4 (F-box and WD repeat domain containing 4; minus strand), LBX1 (ladybird homeobox 1; minus strand), POLL (DNA polymerase lambda; minus strand). Cytogenetic location: 10q24.31-24.32.
Variant type: Duplication.
Identifiers: ClinVar variation 3245034 (VCV003245034.1).